The following is an entry in ClinVar:

NM_021020.5(LZTS1):c.726G>A (p.Ser242=)

Gene: LZTS1 (leucine zipper tumor suppressor 1; minus strand). Cytogenetic location: 8p21.3.
Variant type: single nucleotide variant.
Coding change: c.726G>A on transcript NM_021020.5 (MANE Select); coding-DNA position 726, G replaced by A.
Protein change: p.Ser242=; no amino-acid change (serine 242 retained).
Molecular consequence: synonymous variant.
Genome position (GRCh38, 1-based): chr8:20,253,205, C>T on the plus strand (G>A on the coding strand, the complement: LZTS1 is on the minus strand). VCF-style: chr8-20253205-C-T. GRCh37 (hg19) VCF-style: chr8-20110716-C-T.
Other names: c.726G>A, p.Ser242= (NM_001362884.2); c.726G>A (NM_021020.3).
Identifiers: ClinVar variation 2168415 (VCV002168415.5), dbSNP rs141673059, ClinGen allele CA4657459.
Genomic context (GRCh38, chr8:20,253,205, plus strand): 5'-GCTGCACTCGTCCGTGGAGATGGGGGAGCGGACACACGAGGGGCCCTTGTCTGCCTTGTT[C>T]GAGTGGCCCAGCTTGCTACCTCCGTCGGAGAAGGACAGAGCCTTCAGGCTCATCATGTTG-3'
Protein context (NP_066300.1, residues 232-252): FSDGGSKLGH[Ser242=]NKADKGPSCV

ClinVar aggregate classification (germline): Likely benign. Review status: criteria provided, multiple submitters, no conflicts (2 of 4 stars). 2 submissions from 2 submitters: Likely benign (2). Last evaluated 2026-05-09.

Conditions:
LZTS1-related disorder. Also called: LZTS1-related condition.

Allele frequency attached by ClinVar (database versions not stated): TOPMed 0.00002; ExAC 0.00003; gnomAD 0.00003; gnomAD exomes 0.00006; ESP Exome Variant Server 0.00008.
gnomAD v4.1: 96 of 1,613,658 alleles (0.0059%); highest among the groups gnomAD compares: Middle Eastern, 0.016%; 1 homozygote.

Submissions (2):

PreventionGenetics, part of Exact Sciences
Classification: Likely benign for LZTS1-related condition. Last evaluated: 2026-05-09. Review status: criteria provided, single submitter. Criteria: ACMG Guidelines, 2015. Collection method: clinical testing. Allele origin: germline.
Comment: This variant is classified as likely benign based on ACMG/AMP sequence variant interpretation guidelines (Richards et al. 2015 PMID: 25741868, with internal and published modifications).

Labcorp Genetics (formerly Invitae), Labcorp
Classification: Likely benign. Last evaluated: 2025-12-18. Review status: criteria provided, single submitter. Criteria: Invitae Variant Classification Sherloc (09022015). Collection method: clinical testing. Allele origin: germline.